The following is an entry in ClinVar:

ClinVar aggregate classification (germline): Likely benign. Review status: criteria provided, multiple submitters, no conflicts (2 of 4 stars). 3 submissions from 3 submitters: Likely benign (2). 1 of the submissions does not count toward it. Last evaluated 2025-11-03.

Conditions:
GJC2-related disorder. Also called: GJC2-related disorders; GJC2-related condition. Identifiers: MedGen CN230087.
Spastic paraplegia. Identifiers: MedGen C0037772, HP:0001258.

Allele frequency attached by ClinVar (database versions not stated): TOPMed 0.00011; gnomAD 0.00020 and 0.00021; gnomAD exomes 0.00020.
gnomAD v4.1: 263 of 1,383,026 alleles (0.019%); highest among the groups gnomAD compares: Non-Finnish European, 0.022%; no homozygotes.

Submissions (3):

Labcorp Genetics (formerly Invitae), Labcorp
Classification: Likely benign for Spastic paraplegia. Last evaluated: 2025-11-03. Review status: criteria provided, single submitter. Criteria: Invitae Variant Classification Sherloc (09022015). Collection method: clinical testing. Allele origin: germline.

Blueprint Genetics
Classification: Likely benign. Last evaluated: 2024-11-20. Review status: criteria provided, single submitter. Criteria: ACMG Guidelines, 2015. Collection method: clinical testing. Allele origin: germline.

PreventionGenetics, part of Exact Sciences
Classification: Likely benign for GJC2-related condition. Last evaluated: 2021-12-24. Review status: no assertion criteria provided. Collection method: clinical testing. Allele origin: germline. Not counted in ClinVar's aggregate classification.
Comment: This variant is classified as likely benign based on ACMG/AMP sequence variant interpretation guidelines (Richards et al. 2015 PMID: 25741868, with internal and published modifications).

NM_020435.4(GJC2):c.993C>G (p.Pro331=)

Gene: GJC2 (gap junction protein gamma 2; plus strand). Cytogenetic location: 1q42.13.
Variant type: single nucleotide variant.
Coding change: c.993C>G on transcript NM_020435.4 (MANE Select); coding-DNA position 993, C replaced by G.
Protein change: p.Pro331=; no amino-acid change (proline 331 retained).
Molecular consequence: synonymous variant.
Genome position (GRCh38, 1-based): chr1:228,158,751, C>G. VCF-style: chr1-228158751-C-G. GRCh37 (hg19) VCF-style: chr1-228346452-C-G.
Other names: c.993C>G (NM_020435.3).
Identifiers: ClinVar variation 1121305 (VCV001121305.12), dbSNP rs891962078, ClinGen allele CA38728247.